The following is an entry in ClinVar:

NM_183050.4(BCKDHB):c.607T>C (p.Phe203Leu)

Gene: BCKDHB (branched chain keto acid dehydrogenase E1 subunit beta; plus strand). Cytogenetic location: 6q14.1.
Variant type: single nucleotide variant.
Coding change: c.607T>C on transcript NM_183050.4 (MANE Select); coding-DNA position 607, T replaced by C.
Protein change: p.Phe203Leu; replaces phenylalanine 203 with leucine.
Molecular consequence: missense variant. On other transcripts: non-coding transcript variant (6).
Genome position (GRCh38, 1-based): chr6:80,169,004, T>C. VCF-style: chr6-80169004-T-C. GRCh37 (hg19) VCF-style: chr6-80878721-T-C.
Other names: c.607T>C, p.Phe203Leu (NM_000056.5, NM_001424035.1, NM_001424036.1 and 8 more transcripts); c.397T>C, p.Phe133Leu (NM_001318975.1, NM_001424043.1); short protein forms F133L, F203L.
Identifiers: ClinVar variation 4988012 (VCV004988012.1).

ClinVar aggregate classification (germline): Uncertain significance (1 of 4 stars; one submission).

Conditions:
BCKDHB-related disorder. Also called: BCKDHB-related condition.

gnomAD v4.1: 1 of 1,613,982 alleles (0.000062%); highest among the groups gnomAD compares: Non-Finnish European, 0.000085%; no homozygotes.

Submission:

PreventionGenetics, part of Exact Sciences
Classification: Uncertain significance for BCKDHB-related condition. Last evaluated: 2026-09-14. Review status: criteria provided, single submitter. Criteria: ACMG Guidelines, 2015. Collection method: clinical testing. Allele origin: germline.
Comment: The BCKDHB c.607T>C variant is predicted to result in the amino acid substitution p.Phe203Leu. To our knowledge, this variant has not been reported in the literature. This variant is reported in 0.0065% of alleles in individuals of European (Non-Finnish) descent in gnomAD. At this time, the clinical significance of this variant is uncertain due to the absence of conclusive functional and genetic evidence.